The following is an entry in ClinVar:

ClinVar aggregate classification (germline): Uncertain significance (1 of 4 stars; one submission).

Allele frequency attached by ClinVar (database versions not stated): gnomAD 0.00001; gnomAD exomes 0.00001; TOPMed 0.00002; ExAC 0.00003.

Submission:

Labcorp Genetics (formerly Invitae), Labcorp
Classification: Uncertain significance. Last evaluated: 2023-12-01. Review status: criteria provided, single submitter. Criteria: Invitae Variant Classification Sherloc (09022015). Collection method: clinical testing. Allele origin: germline.
Comment: This sequence change replaces glycine, which is neutral and non-polar, with valine, which is neutral and non-polar, at codon 89 of the MYLK3 protein (p.Gly89Val). This variant is present in population databases (rs764833252, gnomAD 0.005%). This variant has not been reported in the literature in individuals affected with MYLK3-related conditions. ClinVar contains an entry for this variant (Variation ID: 1944436). An algorithm developed to predict the effect of missense changes on protein structure and function (PolyPhen-2) suggests that this variant is likely to be tolerated. In summary, the available evidence is currently insufficient to determine the role of this variant in disease. Therefore, it has been classified as a Variant of Uncertain Significance.

NM_182493.3(MYLK3):c.266G>T (p.Gly89Val)

Gene: MYLK3 (myosin light chain kinase 3; minus strand). Cytogenetic location: 16q11.2.
Variant type: single nucleotide variant.
Coding change: c.266G>T on transcript NM_182493.3 (MANE Select); coding-DNA position 266, G replaced by T.
Protein change: p.Gly89Val; replaces glycine 89 with valine.
Molecular consequence: missense variant. On other transcripts: intron variant (1).
Genome position (GRCh38, 1-based): chr16:46,747,928, C>A on the plus strand (G>T on the coding strand, the complement: MYLK3 is on the minus strand). VCF-style: chr16-46747928-C-A. GRCh37 (hg19) VCF-style: chr16-46781840-C-A.
Other names: c.-113-7781G>T (NM_001308301.1); short protein forms G89V.
Identifiers: ClinVar variation 1944436 (VCV001944436.5), dbSNP rs764833252, ClinGen allele CA8038291.